The following is an entry in ClinVar:

ClinVar aggregate classification (germline): Uncertain significance (1 of 4 stars; one submission).

Submission:

Labcorp Genetics (formerly Invitae), Labcorp
Classification: Uncertain significance. Last evaluated: 2022-05-09. Review status: criteria provided, single submitter. Criteria: Invitae Variant Classification Sherloc (09022015). Collection method: clinical testing. Allele origin: germline.
Comment: This variant results in a copy number gain of the genomic region encompassing exon(s) 7-10 of the SEMA4A gene. While the exact position of this variant cannot be determined from the data, sub-genic copy number gains are generally in tandem (PMID: 25640679). This variant is predicted to be out-of-frame, and may result in an absent or disrupted protein product. However, the current clinical and genetic evidence is not sufficient to establish whether loss-of-function variants in SEMA4A cause disease. This variant has not been reported in the literature in individuals affected with SEMA4A-related conditions. In summary, the available evidence is currently insufficient to determine the role of this variant in disease. Therefore, it has been classified as a Variant of Uncertain Significance.

Literature cited by the submitters: PubMed 25640679.

NC_000001.10:g.(?_156130214)_(156132905_?)dup

Gene: SEMA4A (semaphorin 4A; plus strand). Cytogenetic location: 1q22.
Variant type: Duplication.
Identifiers: ClinVar variation 2426742 (VCV002426742.4).